The following is an entry in ClinVar:

ClinVar aggregate classification (germline): Pathogenic/Likely pathogenic. Review status: criteria provided, multiple submitters, no conflicts (2 of 4 stars). 3 submissions from 3 submitters: Pathogenic (1); Likely pathogenic (1). 1 of the submissions does not count toward it. Last evaluated 2024-07-22.

Conditions:
Hereditary spastic paraplegia 56. Also called: Spastic Paraplegia 56; SPASTIC PARAPLEGIA 56, AUTOSOMAL RECESSIVE, WITH OR WITHOUT PSEUDOXANTHOMA ELASTICUM; Spastic paraplegia 56, autosomal recessive. Identifiers: Orphanet 320411, MedGen C3539507, MONDO:0014015, OMIM 615030.

Submissions (3):

3billion
Classification: Likely pathogenic for Hereditary spastic paraplegia 56. Last evaluated: 2024-07-22. Review status: criteria provided, single submitter. Criteria: ACMG Guidelines, 2015. Collection method: clinical testing. Allele origin: germline. Affected: yes.
Comment: The variant is not observed in the gnomAD v4.0.0 dataset. Predicted Consequence/Location: Missense variant In silico tool predictions suggest damaging effect of the variant on gene or gene product [3Cnet: 0.84 (>=0.6, sensitivity 0.72 and precision 0.9)]. The same nucleotide change resulting in the same amino acid change has been previously reported as pathogenic/likely pathogenic with strong evidence (ClinVar ID: VCV000039503 /PMID: 23176821). The variant has been reported to be in trans with a pathogenic variant as either compound heterozygous or homozygous in at least one similarly affected unrelated individual (PMID: 23176821). Therefore, this variant is classified as Likely pathogenic according to the recommendation of ACMG/AMP guideline.

Paris Brain Institute, Inserm - ICM
Classification: Pathogenic for Hereditary spastic paraplegia 56. Review status: criteria provided, single submitter. Criteria: ACMG Guidelines, 2015. Collection method: clinical testing. Allele origin: unknown. Affected: yes. Observed: 1 variant allele.

OMIM
Classification: Pathogenic for SPASTIC PARAPLEGIA 56, AUTOSOMAL RECESSIVE. Last evaluated: 2012-12-07. Review status: no assertion criteria provided. Collection method: literature only. Allele origin: germline. Not counted in ClinVar's aggregate classification.

Literature cited by the submitters: PubMed 23176821 (cited by 3billion and OMIM).

NM_183075.3(CYP2U1):c.784T>C (p.Cys262Arg)

Gene: CYP2U1 (cytochrome P450 family 2 subfamily U member 1; plus strand). Cytogenetic location: 4q25.
Variant type: single nucleotide variant.
Coding change: c.784T>C on transcript NM_183075.3 (MANE Select); coding-DNA position 784, T replaced by C.
Protein change: p.Cys262Arg; replaces cysteine 262 with arginine.
Molecular consequence: missense variant.
Genome position (GRCh38, 1-based): chr4:107,945,263, T>C. VCF-style: chr4-107945263-T-C. GRCh37 (hg19) VCF-style: chr4-108866419-T-C.
Other names: c.784T>C (NM_183075.2); short protein forms C262R.
Identifiers: ClinVar variation 39503 (VCV000039503.6), dbSNP rs397514515, ClinGen allele CA130343.